The following continues an entry in ClinVar:

NM_000136.3(FANCC):c.1661T>C (p.Leu554Pro)

ClinVar aggregate classification (germline): Pathogenic/Likely pathogenic. Pathogenic (8); Likely pathogenic (3).

Submissions 10 to 16 of 16:

Women's Health and Genetics/Laboratory Corporation of America, LabCorp
Classification: Pathogenic for Fanconi anemia, complementation group C. Last evaluated: 2019-10-14. Review status: criteria provided, single submitter. Criteria: LabCorp Variant Classification Summary - May 2015. Collection method: clinical testing. Allele origin: germline.
Comment: Variant summary: FANCC c.1661T>C (p.Leu554Pro) results in a non-conservative amino acid change in the encoded protein sequence. Four of five in-silico tools predict a damaging effect of the variant on protein function. The variant allele was found at a frequency of 1.2e-05 in 251192 control chromosomes (gnomAD). c.1661T>C has been reported in the literature in individuals affected with Fanconi Anemia (e.g. Strathdee_1992, Dokal_1996, Gillio_1997). These data indicate that the variant may be associated with disease. The variant has also been detected in at least one individual with bilateral breast cancer and a family history of the diseae (Thompson_2012). Several publications report experimental evidence evaluating an impact on protein function, reporting significantly reduced capacity for DNA repair and disruption of the protein's ability to bind FAA ( (e.g. Gavish_1993, Kupfer_1997, Donahue_2004). Two other clinical diagnostic laboratories have submitted clinical-significance assessments for this variant to ClinVar (evaluation after 2014) and cited the variant as pathogenic. Based on the evidence outlined above, the variant was classified as pathogenic.

Revvity Omics, Revvity
Classification: Pathogenic for Fanconi anemia complementation group C. Last evaluated: 2019-04-23. Review status: criteria provided, single submitter. Criteria: ACMG Guidelines, 2015. Collection method: clinical testing. Allele origin: germline.

Leiden Open Variation Database
Classification: Pathogenic for Fanconi anemia complementation group C. Last evaluated: 2020-02-28. Review status: no assertion criteria provided. Collection method: curation. Allele origin: germline. Affected: yes. Not counted in ClinVar's aggregate classification.
Comment: Curator: Arleen D. Auerbach. Submitter to LOVD: Arleen D. Auerbach.

Counsyl
Classification: Likely pathogenic for Fanconi anemia complementation group C. Last evaluated: 2018-10-09. Review status: no assertion criteria provided. Collection method: clinical testing. Allele origin: unknown. Not counted in ClinVar's aggregate classification.

OMIM
Classification: Pathogenic for FANCONI ANEMIA, COMPLEMENTATION GROUP C. Last evaluated: 1993-02-01. Review status: no assertion criteria provided. Collection method: literature only. Allele origin: germline. Not counted in ClinVar's aggregate classification.

GeneReviews
No classification provided. Condition: Fanconi anemia complementation group C. Review status: no classification provided. Collection method: literature only. Allele origin: germline. Not counted in ClinVar's aggregate classification.

SNPedia
No classification provided. Review status: no classification provided. Collection method: not provided. Allele origin: germline. Not counted in ClinVar's aggregate classification.

Literature cited by the submitters: PubMed 8703809 (cited by 7 submitters); PubMed 7517562 (cited by Natera, Inc.); PubMed 8639804 (cited by Natera, Inc.); PubMed 11050007 (cited by Labcorp Genetics (formerly Invitae), Labcorp); PubMed 8613549 (cited by 4 submitters); PubMed 9242535 (cited by 5 submitters); PubMed 9398857 (cited by 5 submitters); PubMed 12649160 (cited by Quest Diagnostics Nichols Institute San Juan Capistrano and Ambry Genetics); PubMed 8499901 (cited by 5 submitters); PubMed 33471991 (cited by Quest Diagnostics Nichols Institute San Juan Capistrano); PubMed 1574115 (cited by 4 submitters); PubMed 8128956 (cited by 4 submitters); PubMed 8621788 (cited by Quest Diagnostics Nichols Institute San Juan Capistrano and OMIM); PubMed 9207444 (cited by 4 submitters); PubMed 12093742 (cited by 3 submitters); PubMed 10383195 (cited by Quest Diagnostics Nichols Institute San Juan Capistrano and Ambry Genetics); PubMed 15364573 (cited by Quest Diagnostics Nichols Institute San Juan Capistrano and Women's Health and Genetics/Laboratory Corporation of America, LabCorp); PubMed 23028338 (cited by 4 submitters); PubMed 24469828 (cited by Quest Diagnostics Nichols Institute San Juan Capistrano and Counsyl); PubMed 26466335 (cited by Quest Diagnostics Nichols Institute San Juan Capistrano and Counsyl); PubMed 28678401 (cited by Quest Diagnostics Nichols Institute San Juan Capistrano and Ambry Genetics); PubMed 1641028 (cited by Leiden Open Variation Database); Gavish, H., dos Santos, C. C., Buchwald, M. Generation of a non-functional Fanconi anemia group C protein (FACC) by site-directed in vitro mutagenesis. (Abstract) Am. J. Hum. Genet. 51 (suppl.): A128-only, 1992. (cited by OMIM); NCBI Bookshelf NBK1401 (cited by GeneReviews); PubMed 20301575 (cited by GeneReviews).